The following is an entry in ClinVar:

NM_002291.3(LAMB1):c.2801A>T (p.Tyr934Phe)

Gene: LAMB1 (laminin subunit beta 1; minus strand). Cytogenetic location: 7q31.1.
Variant type: single nucleotide variant.
Coding change: c.2801A>T on transcript NM_002291.3 (MANE Select); coding-DNA position 2801, A replaced by T.
Protein change: p.Tyr934Phe; replaces tyrosine 934 with phenylalanine.
Molecular consequence: missense variant.
Genome position (GRCh38, 1-based): chr7:107,955,520, T>A on the plus strand (A>T on the coding strand, the complement: LAMB1 is on the minus strand). VCF-style: chr7-107955520-T-A. GRCh37 (hg19) VCF-style: chr7-107595965-T-A.
Other names: short protein forms Y934F.
Identifiers: ClinVar variation 4762017 (VCV004762017.1).

ClinVar aggregate classification (germline): Uncertain significance (1 of 4 stars; one submission).

Submission:

Labcorp Genetics (formerly Invitae), Labcorp
Classification: Uncertain significance. Last evaluated: 2025-09-08. Review status: criteria provided, single submitter. Criteria: Invitae Variant Classification Sherloc (09022015). Collection method: clinical testing. Allele origin: germline.
Comment: This sequence change replaces tyrosine, which is neutral and polar, with phenylalanine, which is neutral and non-polar, at codon 934 of the LAMB1 protein (p.Tyr934Phe). This variant is not present in population databases (gnomAD no frequency). This variant has not been reported in the literature in individuals affected with LAMB1-related conditions. An algorithm developed to predict the effect of missense changes on protein structure and function (PolyPhen-2) suggests that this variant is likely to be tolerated. In summary, the available evidence is currently insufficient to determine the role of this variant in disease. Therefore, it has been classified as a Variant of Uncertain Significance.